The following is an entry in ClinVar:

ClinVar aggregate classification (germline): Uncertain significance (1 of 4 stars; one submission).

Conditions:
Developmental and epileptic encephalopathy, 12 (DEE12). Identifiers: MedGen C3150988, MONDO:0013389, OMIM 613722.

Submission:

Labcorp Genetics (formerly Invitae), Labcorp
Classification: Uncertain significance for Developmental and epileptic encephalopathy, 12. Last evaluated: 2022-01-03. Review status: criteria provided, single submitter. Criteria: Invitae Variant Classification Sherloc (09022015). Collection method: clinical testing. Allele origin: germline.
Comment: This variant is not present in population databases (gnomAD no frequency). This sequence change replaces glutamic acid, which is acidic and polar, with glutamine, which is neutral and polar, at codon 1163 of the PLCB1 protein (p.Glu1163Gln). This variant has not been reported in the literature in individuals affected with PLCB1-related conditions. Algorithms developed to predict the effect of missense changes on protein structure and function (SIFT, PolyPhen-2, Align-GVGD) all suggest that this variant is likely to be tolerated. In summary, the available evidence is currently insufficient to determine the role of this variant in disease. Therefore, it has been classified as a Variant of Uncertain Significance.

NM_015192.4(PLCB1):c.3487G>C (p.Glu1163Gln)

Gene: PLCB1 (phospholipase C beta 1; plus strand). Cytogenetic location: 20p12.3.
Variant type: single nucleotide variant.
Coding change: c.3487G>C on transcript NM_015192.4 (MANE Select); coding-DNA position 3487, G replaced by C.
Protein change: p.Glu1163Gln; replaces glutamic acid 1163 with glutamine.
Molecular consequence: missense variant. On other transcripts: 3 prime UTR variant (1).
Genome position (GRCh38, 1-based): chr20:8,881,685, G>C. VCF-style: chr20-8881685-G-C. GRCh37 (hg19) VCF-style: chr20-8862332-G-C.
Other names: c.*83G>C (NM_182734.3); short protein forms E1163Q.
Identifiers: ClinVar variation 2071574 (VCV002071574.4), dbSNP rs2514558446, ClinGen allele CA408263071.